The following is an entry in ClinVar:

ClinVar aggregate classification (germline): Uncertain significance (1 of 4 stars; one submission).

Conditions:
FG syndrome (FGS). Identifiers: MedGen C0220769, MONDO:0002010.

Submission:

Labcorp Genetics (formerly Invitae), Labcorp
Classification: Uncertain significance for FG syndrome. Last evaluated: 2025-06-15. Review status: criteria provided, single submitter. Criteria: Invitae Variant Classification Sherloc (09022015). Collection method: clinical testing. Allele origin: germline.
Comment: This sequence change replaces asparagine, which is neutral and polar, with aspartic acid, which is acidic and polar, at codon 1157 of the MED12 protein (p.Asn1157Asp). This variant is not present in population databases (gnomAD no frequency). This missense change has been observed in individual(s) with Opitz-Kaveggia syndrome (PMID: 36271811). In at least one individual the variant was observed to be de novo. Invitae Evidence Modeling of protein sequence and biophysical properties (such as structural, functional, and spatial information, amino acid conservation, physicochemical variation, residue mobility, and thermodynamic stability) indicates that this missense variant is not expected to disrupt MED12 protein function with a negative predictive value of 95%. In summary, the available evidence is currently insufficient to determine the role of this variant in disease. Therefore, it has been classified as a Variant of Uncertain Significance.

Literature cited by the submitters: PubMed 36271811.

NM_005120.3(MED12):c.3469A>G (p.Asn1157Asp)

Gene: MED12 (mediator complex subunit 12; plus strand). Cytogenetic location: Xq13.1.
Variant type: single nucleotide variant.
Coding change: c.3469A>G on transcript NM_005120.3 (MANE Select); coding-DNA position 3469, A replaced by G.
Protein change: p.Asn1157Asp; replaces asparagine 1157 with aspartic acid.
Molecular consequence: missense variant.
Genome position (GRCh38, 1-based): chrX:71,128,712, A>G. VCF-style: chrX-71128712-A-G. GRCh37 (hg19) VCF-style: chrX-70348562-A-G.
Other names: short protein forms N1157D.
Identifiers: ClinVar variation 4801073 (VCV004801073.1).